The following is an entry in ClinVar:

NM_001291415.2(KDM6A):c.3230G>A (p.Ser1077Asn)

Gene: KDM6A (lysine demethylase 6A; plus strand). Cytogenetic location: Xp11.3.
Variant type: single nucleotide variant.
Coding change: c.3230G>A on transcript NM_001291415.2 (MANE Select); coding-DNA position 3230, G replaced by A.
Protein change: p.Ser1077Asn; replaces serine 1077 with asparagine.
Molecular consequence: missense variant. On other transcripts: non-coding transcript variant (1).
Genome position (GRCh38, 1-based): chrX:45,079,281, G>A. VCF-style: chrX-45079281-G-A. GRCh37 (hg19) VCF-style: chrX-44938526-G-A.
Other names: c.3095G>A, p.Ser1032Asn (NM_001291416.2, NM_001419811.1); c.2939G>A, p.Ser980Asn (NM_001291417.2); c.2837G>A, p.Ser946Asn (NM_001291418.2, NM_001419815.1); c.2186G>A, p.Ser729Asn (NM_001291421.2); c.2972G>A, p.Ser991Asn (NM_001410742.1, NM_001419814.1); c.3230G>A, p.Ser1077Asn (NM_001419809.1); c.3128G>A, p.Ser1043Asn (NM_001419810.1, NM_001419813.1); c.3074G>A, p.Ser1025Asn (NM_001419812.1, NM_021140.4); short protein forms S1025N, S1032N, S1043N, S1077N, S729N, S946N, S980N, S991N.
Identifiers: ClinVar variation 3617001 (VCV003617001.2).

ClinVar aggregate classification (germline): Uncertain significance (1 of 4 stars; one submission).

Conditions:
Kabuki syndrome 2 (KABUK2). Also called: KDM6A-Related Kabuki Syndrome. Identifiers: Orphanet 2322, MedGen C3275495, MONDO:0010465, OMIM 300867.

Submission:

Labcorp Genetics (formerly Invitae), Labcorp
Classification: Uncertain significance for Kabuki syndrome 2. Last evaluated: 2024-06-03. Review status: criteria provided, single submitter. Criteria: Invitae Variant Classification Sherloc (09022015). Collection method: clinical testing. Allele origin: germline.
Comment: This sequence change replaces serine, which is neutral and polar, with asparagine, which is neutral and polar, at codon 1025 of the KDM6A protein (p.Ser1025Asn). This variant is not present in population databases (gnomAD no frequency). This variant has not been reported in the literature in individuals affected with KDM6A-related conditions. Advanced modeling of protein sequence and biophysical properties (such as structural, functional, and spatial information, amino acid conservation, physicochemical variation, residue mobility, and thermodynamic stability) has been performed at Invitae for this missense variant, however the output from this modeling did not meet the statistical confidence thresholds required to predict the impact of this variant on KDM6A protein function. In summary, the available evidence is currently insufficient to determine the role of this variant in disease. Therefore, it has been classified as a Variant of Uncertain Significance.